The following is an entry in ClinVar:

ClinVar aggregate classification (germline): Conflicting classifications of pathogenicity. Review status: criteria provided, conflicting classifications (1 of 4 stars). 6 submissions from 6 submitters: Uncertain significance (5); Benign (1). Last evaluated 2025-10-14.

Conditions:
Hereditary cancer-predisposing syndrome. Also called: Tumor predisposition; Hereditary Cancer Syndrome; Neoplastic Syndromes, Hereditary; Hereditary neoplastic syndrome. Identifiers: Orphanet 140162, MedGen C0027672, MeSH D009386, MONDO:0015356.
Isolated focal cortical dysplasia type II (FCORD2). Also called: Focal cortical dysplasia type II; CORTICAL DYSPLASIA OF TAYLOR. Identifiers: Orphanet 268994, MedGen C1846385, MONDO:0011818, OMIM 607341, HP:0032051.
Tuberous sclerosis syndrome (TSC). Also called: Tuberous Sclerosis Complex; Tuberous sclerosis. Identifiers: Orphanet 805, MedGen C0041341, MONDO:0001734.
Tuberous sclerosis 2 (TSC2). Identifiers: Orphanet 805, MedGen C1860707, MONDO:0013199, OMIM 613254.

Allele frequency attached by ClinVar (database versions not stated): gnomAD exomes below 0.00001; ExAC 0.00001.

Submissions (6):

Ambry Genetics
Classification: Uncertain significance for Hereditary cancer-predisposing syndrome. Last evaluated: 2025-10-14. Review status: criteria provided, single submitter. Criteria: Ambry Variant Classification Scheme 2023. Collection method: clinical testing. Allele origin: germline.
Comment: The p.E399K variant (also known as c.1195G>A), located in coding exon 11 of the TSC2 gene, results from a G to A substitution at nucleotide position 1195. The glutamic acid at codon 399 is replaced by lysine, an amino acid with similar properties. This amino acid position is not well conserved in available vertebrate species. In addition, the in silico prediction for this alteration is inconclusive. Since supporting evidence is limited at this time, the clinical significance of this alteration remains unclear.

Labcorp Genetics (formerly Invitae), Labcorp
Classification: Benign for Tuberous sclerosis 2. Last evaluated: 2025-06-02. Review status: criteria provided, single submitter. Criteria: Invitae Variant Classification Sherloc (09022015). Collection method: clinical testing. Allele origin: germline.

All of Us Research Program, National Institutes of Health
Classification: Uncertain significance for Tuberous sclerosis syndrome. Last evaluated: 2024-07-10. Review status: criteria provided, single submitter. Criteria: ACMG Guidelines, 2015. Collection method: clinical testing. Allele origin: germline. Inheritance: Autosomal dominant inheritance. Observed: 2 variant alleles, 2 heterozygotes.
Comment: This missense variant replaces glutamic acid with lysine at codon 399 of the TSC2 protein. Computational prediction suggests that this variant may not impact protein structure and function (internally defined REVEL score threshold <= 0.5, PMID: 27666373). To our knowledge, functional studies have not been reported for this variant. This variant has not been reported in individuals affected with tuberous sclerosis complex in the literature. This variant has been identified in 1/251154 chromosomes in the general population by the Genome Aggregation Database (gnomAD). The available evidence is insufficient to determine the role of this variant in disease conclusively. Therefore, this variant is classified as a Variant of Uncertain Significance.

This study involves interpretation of variants in research participants for the purpose of population health screening. Participant phenotype was not available at the time of variant classification. Additional details can be found in publication PMID: 35346344, PMCID: PMC8962531

Color Diagnostics, LLC DBA Color Health
Classification: Uncertain significance for Tuberous sclerosis syndrome. Last evaluated: 2024-06-13. Review status: criteria provided, single submitter. Criteria: ACMG Guidelines, 2015. Collection method: clinical testing. Allele origin: germline.
Comment: This missense variant replaces glutamic acid with lysine at codon 399 of the TSC2 protein. Computational prediction suggests that this variant may not impact protein structure and function. To our knowledge, functional studies have not been reported for this variant. This variant has not been reported in individuals affected with tuberous sclerosis complex in the literature. This variant has been identified in 1/251154 chromosomes in the general population by the Genome Aggregation Database (gnomAD). The available evidence is insufficient to determine the role of this variant in disease conclusively. Therefore, this variant is classified as a Variant of Uncertain Significance.

GeneDx
Classification: Uncertain significance. Last evaluated: 2023-11-08. Review status: criteria provided, single submitter. Criteria: GeneDx Variant Classification Process June 2021. Collection method: clinical testing. Allele origin: germline. Affected: yes.
Comment: In silico analysis supports that this missense variant does not alter protein structure/function; Has not been previously published as pathogenic or benign to our knowledge; This variant is associated with the following publications: (PMID: 18466115)

Baylor Genetics
Classification: Uncertain significance for Isolated focal cortical dysplasia type II. Last evaluated: 2023-09-24. Review status: criteria provided, single submitter. Criteria: ACMG Guidelines, 2015. Collection method: clinical testing. Allele origin: unknown.

NM_000548.5(TSC2):c.1195G>A (p.Glu399Lys)

Gene: TSC2 (TSC complex subunit 2; plus strand). Cytogenetic location: 16p13.3.
Variant type: single nucleotide variant.
Coding change: c.1195G>A on transcript NM_000548.5 (MANE Select); coding-DNA position 1195, G replaced by A.
Protein change: p.Glu399Lys; replaces glutamic acid 399 with lysine.
Molecular consequence: missense variant.
Genome position (GRCh38, 1-based): chr16:2,061,946, G>A. VCF-style: chr16-2061946-G-A. GRCh37 (hg19) VCF-style: chr16-2111947-G-A.
Other names: c.1195G>A, p.Glu399Lys (NM_001077183.3, NM_001114382.3, NM_001363528.2 and 3 more transcripts); c.1084G>A, p.Glu362Lys (NM_001318827.2); c.1048G>A, p.Glu350Lys (NM_001318829.2); c.595G>A, p.Glu199Lys (NM_001318831.2); c.1228G>A, p.Glu410Lys (NM_001318832.2); short protein forms E199K, E350K, E362K, E410K, E399K.
Identifiers: ClinVar variation 862651 (VCV000862651.16), dbSNP rs773920155, ClinGen allele CA028736.